The following is an entry in ClinVar:

NM_000276.4(OCRL):c.1498C>T (p.Arg500Ter)

Gene: OCRL (OCRL inositol polyphosphate-5-phosphatase; plus strand). Cytogenetic location: Xq26.1.
Variant type: single nucleotide variant.
Coding change: c.1498C>T on transcript NM_000276.4 (MANE Select); coding-DNA position 1498, C replaced by T.
Protein change: p.Arg500Ter; replaces arginine 500 with a stop codon.
Molecular consequence: nonsense.
Genome position (GRCh38, 1-based): chrX:129,569,295, C>T. VCF-style: chrX-129569295-C-T. GRCh37 (hg19) VCF-style: chrX-128703272-C-T.
Other names: c.1501C>T, p.Arg501Ter (NM_001318784.2); c.1498C>T, p.Arg500Ter (NM_001587.4); short protein forms R501*, R500*.
Identifiers: ClinVar variation 666558 (VCV000666558.2), dbSNP rs398123287, ClinGen allele CA414616365.

ClinVar aggregate classification (germline): Pathogenic. Review status: criteria provided, multiple submitters, no conflicts (2 of 4 stars). 2 submissions from 2 submitters: Pathogenic (2). Last evaluated 2024-11-20.

Conditions:
Lowe syndrome (OCRL). Also called: LOWE OCULOCEREBRORENAL SYNDROME; Oculocerebrorenal Syndrome; PHOSPHATIDYLINOSITOL 4,5-BISPHOSPHATE 5-PHOSPHATASE DEFICIENCY. Identifiers: Orphanet 534, MedGen C0028860, MONDO:0010645, OMIM 309000.

Allele frequency attached by ClinVar (database versions not stated): gnomAD exomes below 0.00001 and 0.00001; TOPMed below 0.00001.
gnomAD v4.1: 1 of 1,211,094 alleles (0.000083%); highest among the groups gnomAD compares: African/African-American, 0.0017%; no homozygotes.

Submissions (2):

Institute of Human Genetics, Clinical Exome/Genome Diagnostics Group, University Hospital Bonn
Classification: Pathogenic for Lowe syndrome. Last evaluated: 2024-11-20. Review status: criteria provided, single submitter. Criteria: ACMG Guidelines, 2015. Collection method: clinical testing. Allele origin: de novo. Inheritance: X-linked inheritance. Affected: yes. Observed: 1 hemizygote.
Comment: PVS1, PS2, PS4_moderate, PM2_supporting

Equipe Genetique des Anomalies du Developpement, Université de Bourgogne
Classification: Pathogenic for Lowe syndrome. Last evaluated: 2018-10-09. Review status: criteria provided, single submitter. Criteria: ACMG Guidelines, 2015. Collection method: clinical testing. Allele origin: unknown. Affected: yes.